The following continues an entry in ClinVar:

NM_032043.3(BRIP1):c.517C>T (p.Arg173Cys)

Gene: BRIP1. ClinVar aggregate classification (germline): Conflicting classifications of pathogenicity. Uncertain significance (2); Benign (11); Likely benign (10).

Submissions 27 to 29 of 29:

Counsyl
Classification: Likely benign for Ovarian cancer. Last evaluated: 2016-06-08. Review status: no assertion criteria provided. Collection method: clinical testing. Allele origin: unknown. Not counted in ClinVar's aggregate classification.

ITMI
No classification provided. Condition: AllHighlyPenetrant. Last evaluated: 2013-09-19. Review status: no classification provided. Collection method: reference population. Allele origin: germline. Not counted in ClinVar's aggregate classification.
Comment: Please see associated publication for description of ethnicities

Department of Pathology and Laboratory Medicine, Sinai Health System
Classification: Likely benign for Malignant tumor of breast. Review status: no assertion criteria provided. Collection method: clinical testing. Allele origin: unknown. Affected: yes. Study: The Canadian Open Genetics Repository (COGR). Not counted in ClinVar's aggregate classification.
Comment: The BRIP1 p.Arg173Cys variant was identified in 2 of 448 proband chromosomes (frequency: 0.004) from individuals or families with breast and ovarian cancer and was present in 2 of 246 control chromosomes (frequency: 0.008) from healthy individuals (Lewis 2005, Rutter 2003, Wong 2011). The variant was also identified in dbSNP (ID: rs4988345) as â€šÃ„Ãºotherâ€šÃ„Ã¹; in the ClinVar database as benign by Invitae, GeneDx and Ambry genetics, and likely benign by Emory Genetics and Counsyl; and was identified in the Zhejiang Colon Cancer Database 5x. The variant was not identified in the Cosmic and MutDB databases. In addition, the variant was identified in control databases in 737 (2 homozygous) of 277072 chromosomes at a frequency of 0.003 increasing the likelihood this could be a low frequency benign variant (Genome Aggregation Consortium Feb 27, 2017). One study indicates that the rare variant p.Arg173Cys impairs protein translocation to the nucleus and might modify breast cancer susceptibility. Since the minor allele for this variant is very rare (MAF= 0.008) in Centre dâ€šÃ„Ã´Etude du Polymorphisme Humain (CEPH) samples, there was very limited evidence to confirm or refute this association using the case-control population in their current research (Song 2007). Denaturing high performance liquid chromatography (DHPLC) analysis of the coding regions of these four genes was conducted on 75 non-BRCA1/2 index cases. Variants, c.517C>T, p.Arg173Cys) and c.3411T>C, p.Thr1137=, were all found in at least one control, indicating that they are likely to be benign (Lewis 2005). The p.Arg173 residue is conserved in mammals but not in more distantly related organisms and computational analyses (PolyPhen-2, SIFT, AlignGVGD, BLOSUM, MutationTaster) suggest that the variant may impact the protein; however, this information is not predictive enough to assume pathogenicity. The variant occurs outside of the splicing consensus sequence and in silico or computational prediction software programs (SpliceSiteFinder, MaxEntScan, NNSPLICE, GeneSplicer, HumanSpliceFinder) do not predict a difference in splicing. In summary, based on the above information the clinical significance of this variant cannot be determined with certainty at this time although we would lean towards a more benign role for this variant. This variant is classified as likely benign.

Literature cited by the submitters: PubMed 28678401 (cited by Quest Diagnostics Nichols Institute San Juan Capistrano); PubMed 18483852 (cited by Quest Diagnostics Nichols Institute San Juan Capistrano); PubMed 23644138 (cited by Quest Diagnostics Nichols Institute San Juan Capistrano); PubMed 30414346 (cited by Quest Diagnostics Nichols Institute San Juan Capistrano); PubMed 12569564 (cited by Quest Diagnostics Nichols Institute San Juan Capistrano and Counsyl); PubMed 12872252 (cited by Quest Diagnostics Nichols Institute San Juan Capistrano); PubMed 16280053 (cited by Quest Diagnostics Nichols Institute San Juan Capistrano); PubMed 19127258 (cited by Quest Diagnostics Nichols Institute San Juan Capistrano); PubMed 21409391 (cited by Quest Diagnostics Nichols Institute San Juan Capistrano and Counsyl); PubMed 24728327 (cited by Quest Diagnostics Nichols Institute San Juan Capistrano and ITMI); PubMed 27153395 (cited by Quest Diagnostics Nichols Institute San Juan Capistrano).